The following is an entry in ClinVar:

NM_001367624.2(ZNF469):c.10199C>T (p.Pro3400Leu)

Gene: ZNF469 (zinc finger protein 469; plus strand). Cytogenetic location: 16q24.2.
Variant type: single nucleotide variant.
Coding change: c.10199C>T on transcript NM_001367624.2 (MANE Select); coding-DNA position 10199, C replaced by T.
Protein change: p.Pro3400Leu; replaces proline 3400 with leucine.
Molecular consequence: missense variant.
Genome position (GRCh38, 1-based): chr16:88,437,669, C>T. VCF-style: chr16-88437669-C-T. GRCh37 (hg19) VCF-style: chr16-88504077-C-T.
Other names: NM_001127464.1:c.10115C>T; short protein forms P3400L.
Identifiers: ClinVar variation 1200803 (VCV001200803.18), dbSNP rs281165933, ClinGen allele CA8225481.

ClinVar aggregate classification (germline): Conflicting classifications of pathogenicity. Review status: criteria provided, conflicting classifications (1 of 4 stars). 7 submissions from 7 submitters: Uncertain significance (6); Benign (1). Last evaluated 2026-03-31.

Conditions:
Cardiovascular phenotype. Identifiers: MedGen CN230736.
Brittle cornea syndrome 1 (BCS1). Also called: Corneal fragility keratoglobus, blue sclerae AND joint hypermobility; DYSGENESIS MESODERMALIS CORNEAE ET SCLERAE; EDS6B; FRAGILITAS OCULI WITH JOINT HYPEREXTENSIBILITY; CORNEAL FRAGILITY, KERATOGLOBUS, BLUE SCLERAE, JOINT HYPEREXTENSIBILITY. Identifiers: Orphanet 90354, MedGen C0268344, MONDO:0024543, OMIM 229200.

gnomAD v4.1: 286 of 1,548,628 alleles (0.018%); highest among the groups gnomAD compares: Admixed American, 0.084%; no homozygotes.

Submissions (7):

Women's Health and Genetics/Laboratory Corporation of America, LabCorp
Classification: Uncertain significance. Last evaluated: 2026-03-31. Review status: criteria provided, single submitter. Criteria: LabCorp Variant Classification Summary - May 2015. Collection method: clinical testing. Allele origin: germline.
Comment: Variant summary: ZNF469 c.10199C>T (p.Pro3400Leu) results in a non-conservative amino acid change in the encoded protein sequence. Algorithms developed to predict the effect of missense changes on protein structure and function are either unavailable or do not agree on the potential impact of this missense change. The variant allele was found at a frequency of 0.00014 in 144928 control chromosomes. This frequency is not significantly higher than estimated for disease-causing variants in ZNF469, allowing no conclusion about variant significance. To our knowledge, no occurrence of c.10199C>T in individuals affected with ZNF469-related conditions and no experimental evidence demonstrating its impact on protein function have been reported. ClinVar contains an entry for this variant (Variation ID: 1200803). Based on the evidence outlined above, the variant was classified as uncertain significance.

Labcorp Genetics (formerly Invitae), Labcorp
Classification: Uncertain significance. Last evaluated: 2026-01-21. Review status: criteria provided, single submitter. Criteria: Invitae Variant Classification Sherloc (09022015). Collection method: clinical testing. Allele origin: germline.
Comment: This sequence change replaces proline, which is neutral and non-polar, with leucine, which is neutral and non-polar, at codon 3372 of the ZNF469 protein (p.Pro3372Leu). This variant is present in population databases (rs281165933, gnomAD 0.03%). This variant has not been reported in the literature in individuals affected with ZNF469-related conditions. ClinVar contains an entry for this variant (Variation ID: 1200803). An algorithm developed to predict the effect of missense changes on protein structure and function outputs the following: PolyPhen-2: "Probably Damaging". The leucine amino acid residue is found in multiple mammalian species, which suggests that this missense change does not adversely affect protein function. In summary, the available evidence is currently insufficient to determine the role of this variant in disease. Therefore, it has been classified as a Variant of Uncertain Significance.

Blueprint Genetics
Classification: Uncertain significance. Last evaluated: 2024-10-15. Review status: criteria provided, single submitter. Criteria: ACMG Guidelines, 2015. Collection method: clinical testing. Allele origin: germline.

GeneDx
Classification: Uncertain significance. Last evaluated: 2024-06-18. Review status: criteria provided, single submitter. Criteria: GeneDx Variant Classification Process June 2021. Collection method: clinical testing. Allele origin: germline. Affected: yes.
Comment: In silico analysis supports that this missense variant has a deleterious effect on protein structure/function; This variant is associated with the following publications: (PMID: 24895405, 29228253)

Ambry Genetics
Classification: Benign for Cardiovascular phenotype. Last evaluated: 2024-03-01. Review status: criteria provided, single submitter. Criteria: Ambry Variant Classification Scheme 2023. Collection method: clinical testing. Allele origin: germline.

Laboratorio de Genetica e Diagnostico Molecular, Hospital Israelita Albert Einstein
Classification: Uncertain significance for Brittle cornea syndrome 1. Last evaluated: 2022-02-01. Review status: criteria provided, single submitter. Criteria: ACMG Guidelines, 2015. Collection method: clinical testing. Allele origin: germline. Affected: yes.
Comment: ACMG classification criteria: BP4

Genetic Services Laboratory, University of Chicago
Classification: Uncertain significance. Last evaluated: 2017-06-29. Review status: criteria provided, single submitter. Criteria: ACMG Guidelines, 2015. Collection method: clinical testing. Allele origin: germline. Affected: no.

Literature cited by the submitters: PubMed 24895405 (cited by Women's Health and Genetics/Laboratory Corporation of America, LabCorp and Ambry Genetics); PubMed 29228253 (cited by Women's Health and Genetics/Laboratory Corporation of America, LabCorp and Ambry Genetics).